The following is an entry in ClinVar:

ClinVar aggregate classification (germline): Uncertain significance. Review status: criteria provided, multiple submitters, no conflicts (2 of 4 stars). 2 submissions from 2 submitters: Uncertain significance (2). Last evaluated 2025-12-21.

Conditions:
Hereditary cancer-predisposing syndrome. Also called: Hereditary Cancer Syndrome; Neoplastic Syndromes, Hereditary; Tumor predisposition; Hereditary neoplastic syndrome. Identifiers: Orphanet 140162, MedGen C0027672, MeSH D009386, MONDO:0015356.
Familial adenomatous polyposis 1 (FAP1). Also called: FAMILIAL ADENOMATOUS POLYPOSIS 1, ATTENUATED; POLYPOSIS, ADENOMATOUS INTESTINAL. Identifiers: MedGen C2713442, MONDO:0021056, OMIM 175100. Disease mechanism: loss of function.

Submissions (2):

Ambry Genetics
Classification: Uncertain significance for Hereditary cancer-predisposing syndrome. Last evaluated: 2025-12-21. Review status: criteria provided, single submitter. Criteria: Ambry Variant Classification Scheme 2023. Collection method: clinical testing. Allele origin: germline.
Comment: The p.L2484F variant (also known as c.7452A>C), located in coding exon 15 of the APC gene, results from an A to C substitution at nucleotide position 7452. The leucine at codon 2484 is replaced by phenylalanine, an amino acid with highly similar properties. This amino acid position is conserved. In addition, in silico predictors for this gene do not accurately predict pathogenicity. Based on the available evidence, the clinical significance of this variant remains unclear.

Labcorp Genetics (formerly Invitae), Labcorp
Classification: Uncertain significance for Familial adenomatous polyposis 1. Last evaluated: 2024-12-26. Review status: criteria provided, single submitter. Criteria: Invitae Variant Classification Sherloc (09022015). Collection method: clinical testing. Allele origin: germline.
Comment: This sequence change replaces leucine, which is neutral and non-polar, with phenylalanine, which is neutral and non-polar, at codon 2484 of the APC protein (p.Leu2484Phe). This variant is not present in population databases (gnomAD no frequency). This variant has not been reported in the literature in individuals affected with APC-related conditions. Invitae Evidence Modeling of protein sequence and biophysical properties (such as structural, functional, and spatial information, amino acid conservation, physicochemical variation, residue mobility, and thermodynamic stability) indicates that this missense variant is not expected to disrupt APC protein function with a negative predictive value of 95%. In summary, the available evidence is currently insufficient to determine the role of this variant in disease. Therefore, it has been classified as a Variant of Uncertain Significance.

NM_000038.6(APC):c.7452A>C (p.Leu2484Phe)

Gene: APC (APC regulator of Wnt signaling pathway; plus strand). Cytogenetic location: 5q22.2.
Variant type: single nucleotide variant.
Coding change: c.7452A>C on transcript NM_000038.6 (MANE Select); coding-DNA position 7452, A replaced by C.
Protein change: p.Leu2484Phe; replaces leucine 2484 with phenylalanine.
Molecular consequence: missense variant. On other transcripts: non-coding transcript variant (2).
Genome position (GRCh38, 1-based): chr5:112,843,046, A>C. VCF-style: chr5-112843046-A-C. GRCh37 (hg19) VCF-style: chr5-112178743-A-C.
Other names: c.7452A>C (NM_000038.5); c.7506A>C, p.Leu2502Phe (NM_001407447.1, NM_001407448.1, NM_001407449.1 and 1 more transcripts); c.7452A>C, p.Leu2484Phe (NM_001407450.1, NM_001354895.2, NM_001127510.3); c.7431A>C, p.Leu2477Phe (NM_001407451.1); c.7422A>C, p.Leu2474Phe (NM_001407452.1); c.7275A>C, p.Leu2425Phe (NM_001407453.1, NM_001354901.2); c.7203A>C, p.Leu2401Phe (NM_001407454.1, NM_001407455.1, NM_001407456.1 and 1 more transcripts); c.7149A>C, p.Leu2383Phe (NM_001407458.1, NM_001407459.1, NM_001407460.1 and 1 more transcripts); and 12 more; short protein forms L2324F, L2355F, L2401F, L2459F, L2201F, L2358F, L2393F, L2443F.
Identifiers: ClinVar variation 3635515 (VCV003635515.3).